The following is an entry in ClinVar:

ClinVar aggregate classification (germline): Likely benign (1 of 4 stars; one submission).

Allele frequency attached by ClinVar (database versions not stated): 1000 Genomes Project 0.01837; 1000 Genomes Project 30x 0.01843; gnomAD 0.01897 and 0.01951; TOPMed 0.01921.
gnomAD v4.1: 2,991 of 151,914 alleles (2%); highest among the groups gnomAD compares: Middle Eastern, 4.8%; 48 homozygotes.

Submission:

GeneDx
Classification: Likely benign. Last evaluated: 2018-06-16. Review status: criteria provided, single submitter. Criteria: GeneDx Variant Classification (06012015). Collection method: clinical testing. Allele origin: germline. Affected: yes.
Comment: This variant is considered likely benign or benign based on one or more of the following criteria: it is a conservative change, it occurs at a poorly conserved position in the protein, it is predicted to be benign by multiple in silico algorithms, and/or has population frequency not consistent with disease.

NM_173630.4(RTTN):c.2173-289C>T

Gene: RTTN (rotatin; minus strand). Cytogenetic location: 18q22.2.
Variant type: single nucleotide variant.
Coding change: c.2173-289C>T on transcript NM_173630.4 (MANE Select); 289 bases into the intron before coding-DNA position 2173, C replaced by T.
Molecular consequence: intron variant.
Genome position (GRCh38, 1-based): chr18:70,149,326, G>A on the plus strand (C>T on the coding strand, the complement: RTTN is on the minus strand). VCF-style: chr18-70149326-G-A. GRCh37 (hg19) VCF-style: chr18-67816562-G-A.
Other names: c.-475-289C>T (NM_001318520.2).
Identifiers: ClinVar variation 673664 (VCV000673664.1), dbSNP rs74679198, ClinGen allele CA301925794.